The following is an entry in ClinVar:

NM_001277058.2(ERCC6):c.2391G>A (p.Ala797=)

Genes: ERCC6 (ERCC excision repair 6, chromatin remodeling factor; minus strand), PGBD3 (piggyBac transposable element derived 3; minus strand). Cytogenetic location: 10q11.23.
Variant type: single nucleotide variant.
Coding change: c.2391G>A on transcript NM_001277058.2 (MANE Plus Clinical); coding-DNA position 2391, G replaced by A.
Protein change: p.Ala797=; no amino-acid change (alanine 797 retained).
Molecular consequence: synonymous variant. On other transcripts: intron variant (2).
Genome position (GRCh38, 1-based): chr10:49,516,128, C>T on the plus strand (G>A on the coding strand, the complement: ERCC6 is on the minus strand). VCF-style: chr10-49516128-C-T. GRCh37 (hg19) VCF-style: chr10-50724174-C-T.
Other names: c.2391G>A, p.Ala797= (NM_001277059.2); c.987G>A, p.Ala329= (NM_170753.3); c.1397+7905G>A (NM_001346440.2, NM_000124.4).
Identifiers: ClinVar variation 3778035 (VCV003778035.7).

ClinVar aggregate classification (germline): Likely benign (1 of 4 stars; one submission).

gnomAD v4.1: 65 of 1,614,076 alleles (0.004%); highest among the groups gnomAD compares: Admixed American, 0.02%; no homozygotes.

Submission:

CeGaT Center for Human Genetics Tuebingen
Classification: Likely benign. Last evaluated: 2025-03-01. Review status: criteria provided, single submitter. Criteria: CeGaT Center For Human Genetics Tuebingen Variant Classification Criteria Version 2. Collection method: clinical testing. Allele origin: germline. Affected: yes. Observed: 1 variant allele.
Comment: ERCC6: BP4, BP7; PGBD3: BP4, BP7